The following is an entry in ClinVar:

NM_005609.4(PYGM):c.2370del (p.Leu791fs)

Gene: PYGM (glycogen phosphorylase, muscle associated; minus strand). Cytogenetic location: 11q13.1.
Variant type: Deletion.
Coding change: c.2370del on transcript NM_005609.4 (MANE Select); coding-DNA position 2370, one base deleted (C; older notation c.2370delC).
Protein change: p.Leu791fs; shifts the reading frame from leucine 791.
Molecular consequence: frameshift variant.
Genome position (GRCh38, 1-based): chr11:64,746,930, G deleted on the plus strand (C on the coding strand, the reverse complement: PYGM is on the minus strand); the first of 2 consecutive G bases (chr11:64,746,930-64,746,931); deleting either gives the same sequence. VCF-style (leftmost placement, unchanged base first): chr11-64746929-AG-A. GRCh37 (hg19) VCF-style: chr11-64514401-AG-A.
Other names: c.2106del, p.Leu703fs (NM_001164716.1); short protein forms L703fs, L791fs.
Identifiers: ClinVar variation 2014527 (VCV002014527.4), dbSNP rs2058315149, ClinGen allele CA1978918420.

ClinVar aggregate classification (germline): Pathogenic (1 of 4 stars; one submission).

Conditions:
Glycogen storage disease, type V (GSD5). Also called: MCARDLE DISEASE; MUSCLE GLYCOGEN PHOSPHORYLASE DEFICIENCY; MYOPHOSPHORYLASE DEFICIENCY; PYGM DEFICIENCY; McArdle type glycogen storage disease. Identifiers: Orphanet 368, MedGen C0017924, MONDO:0009293, OMIM 232600.

Submission:

Labcorp Genetics (formerly Invitae), Labcorp
Classification: Pathogenic for Glycogen storage disease, type V. Last evaluated: 2022-07-06. Review status: criteria provided, single submitter. Criteria: Invitae Variant Classification Sherloc (09022015). Collection method: clinical testing. Allele origin: germline.
Comment: For these reasons, this variant has been classified as Pathogenic. This variant disrupts a region of the PYGM protein in which other variant(s) (p.Trp798Arg) have been determined to be pathogenic (PMID: 17630210, 17994553, 21802952). This suggests that this is a clinically significant region of the protein, and that variants that disrupt it are likely to be disease-causing. This variant has not been reported in the literature in individuals affected with PYGM-related conditions. This variant is not present in population databases (gnomAD no frequency). This sequence change creates a premature translational stop signal (p.Leu791Cysfs*12) in the PYGM gene. While this is not anticipated to result in nonsense mediated decay, it is expected to disrupt the last 52 amino acid(s) of the PYGM protein.

Literature cited by the submitters: PubMed 17630210; PubMed 17994553; PubMed 21802952.